The following is an entry in ClinVar:

ClinVar aggregate classification (germline): Uncertain significance (1 of 4 stars; one submission).

Conditions:
Hereditary breast ovarian cancer syndrome. Also called: Hereditary breast and ovarian cancer syndrome (HBOC); Hereditary breast and ovarian cancer; Breast and ovarian cancer; Hereditary breast and/or ovarian cancer syndrome; BRCA1- and BRCA2-Associated Hereditary Breast and Ovarian Cancer; Hereditary breast and ovarian cancer syndrome. Identifiers: Orphanet 145, MedGen C0677776, MeSH D061325, MONDO:0003582. Disease mechanism: loss of function.

Submission:

Labcorp Genetics (formerly Invitae), Labcorp
Classification: Uncertain significance for Hereditary breast ovarian cancer syndrome. Last evaluated: 2025-03-02. Review status: criteria provided, single submitter. Criteria: Invitae Variant Classification Sherloc (09022015). Collection method: clinical testing. Allele origin: germline.
Comment: This sequence change replaces leucine, which is neutral and non-polar, with arginine, which is basic and polar, at codon 2245 of the BRCA2 protein (p.Leu2245Arg). This variant is not present in population databases (gnomAD no frequency). This variant has not been reported in the literature in individuals affected with BRCA2-related conditions. Invitae Evidence Modeling of protein sequence and biophysical properties (such as structural, functional, and spatial information, amino acid conservation, physicochemical variation, residue mobility, and thermodynamic stability) indicates that this missense variant is not expected to disrupt BRCA2 protein function with a negative predictive value of 95%. In summary, the available evidence is currently insufficient to determine the role of this variant in disease. Therefore, it has been classified as a Variant of Uncertain Significance.

NM_000059.4(BRCA2):c.6734T>G (p.Leu2245Arg)

Gene: BRCA2 (BRCA2 DNA repair associated; plus strand). Cytogenetic location: 13q13.1.
Variant type: single nucleotide variant.
Coding change: c.6734T>G on transcript NM_000059.4 (MANE Select); coding-DNA position 6734, T replaced by G.
Protein change: p.Leu2245Arg; replaces leucine 2245 with arginine.
Molecular consequence: missense variant. On other transcripts: non-coding transcript variant (1), intron variant (2).
Genome position (GRCh38, 1-based): chr13:32,341,089, T>G. VCF-style: chr13-32341089-T-G. GRCh37 (hg19) VCF-style: chr13-32915226-T-G.
Other names: c.6734T>G, p.Leu2245Arg (NM_001406719.1, NM_001406720.1, NM_001432077.1); c.1910-3469T>G (NM_001406721.1); c.425-3469T>G (NM_001406722.1); short protein forms L2245R.
Identifiers: ClinVar variation 4802330 (VCV004802330.1).